The following is an entry in ClinVar:

ClinVar aggregate classification (germline): Benign/Likely benign. Review status: criteria provided, multiple submitters, no conflicts (2 of 4 stars). 3 submissions from 3 submitters: Benign (1); Likely benign (1). 1 of the submissions does not count toward it. Last evaluated 2025-02-16.

Conditions:
DNMBP-related disorder. Also called: DNMBP-related condition.

Allele frequency attached by ClinVar (database versions not stated): TOPMed 0.00057; ExAC 0.00088; ESP Exome Variant Server 0.00100; gnomAD 0.00100; gnomAD exomes 0.00100.
gnomAD v4.1: 1,601 of 1,610,082 alleles (0.099%); highest among the groups gnomAD compares: Non-Finnish European, 0.13%; 6 homozygotes.

Submissions (3):

Laboratory of Genetics, Children's Clinical University Hospital Latvia
Classification: Benign. Last evaluated: 2025-02-16. Review status: criteria provided, single submitter. Criteria: ACMG Guidelines, 2015. Collection method: clinical testing. Allele origin: germline. Affected: yes.

Blueprint Genetics
Classification: Likely benign. Last evaluated: 2024-11-25. Review status: criteria provided, single submitter. Criteria: ACMG Guidelines, 2015. Collection method: clinical testing. Allele origin: germline.

PreventionGenetics, part of Exact Sciences
Classification: Likely benign for DNMBP-related condition. Last evaluated: 2019-09-06. Review status: no assertion criteria provided. Collection method: clinical testing. Allele origin: germline. Not counted in ClinVar's aggregate classification.
Comment: This variant is classified as likely benign based on ACMG/AMP sequence variant interpretation guidelines (Richards et al. 2015 PMID: 25741868, with internal and published modifications).

NM_015221.4(DNMBP):c.2554+8C>T

Gene: DNMBP (dynamin binding protein; minus strand). Cytogenetic location: 10q24.2.
Variant type: single nucleotide variant.
Coding change: c.2554+8C>T on transcript NM_015221.4 (MANE Select); 8 bases into the intron after coding-DNA position 2554, C replaced by T.
Molecular consequence: intron variant.
Genome position (GRCh38, 1-based): chr10:99,907,987, G>A on the plus strand (C>T on the coding strand, the complement: DNMBP is on the minus strand). VCF-style: chr10-99907987-G-A. GRCh37 (hg19) VCF-style: chr10-101667744-G-A.
Other names: c.2554+8C>T (NM_001441288.1, NM_001441287.1); c.1450+8C>T (NM_001318326.2); c.-225+966C>T (NM_001441292.1); c.292+8C>T (NM_001441290.1, NM_001318327.2); c.-740+8C>T (NM_001441293.1); c.64+8C>T (NM_001441291.1).
Identifiers: ClinVar variation 3052955 (VCV003052955.4), dbSNP rs201235540, ClinGen allele CA5644898.